The following is an entry in ClinVar:

NM_024757.5(EHMT1):c.3295C>T (p.Pro1099Ser)

Gene: EHMT1 (euchromatic histone lysine methyltransferase 1; plus strand). Cytogenetic location: 9q34.3.
Variant type: single nucleotide variant.
Coding change: c.3295C>T on transcript NM_024757.5 (MANE Select); coding-DNA position 3295, C replaced by T.
Protein change: p.Pro1099Ser; replaces proline 1099 with serine.
Molecular consequence: missense variant.
Genome position (GRCh38, 1-based): chr9:137,815,983, C>T. VCF-style: chr9-137815983-C-T. GRCh37 (hg19) VCF-style: chr9-140710435-C-T.
Other names: c.3295C>T (NM_024757.4); c.3274C>T, p.Pro1092Ser (NM_001354263.2); short protein forms P1092S, P1099S.
Identifiers: ClinVar variation 2760900 (VCV002760900.5), dbSNP rs901785447, ClinGen allele CA375796314.

ClinVar aggregate classification (germline): Uncertain significance. Review status: criteria provided, multiple submitters, no conflicts (2 of 4 stars). 2 submissions from 2 submitters: Uncertain significance (2). Last evaluated 2026-08-11.

Conditions:
Kleefstra syndrome 1 (KLEFS1). Identifiers: Orphanet 261494, MedGen C0795833, MONDO:0027407, OMIM 610253.

Submissions (2):

GeneDx
Classification: Uncertain significance. Last evaluated: 2026-08-11. Review status: criteria provided, single submitter. Criteria: GeneDx Variant Classification Process June 2021. Collection method: clinical testing. Allele origin: germline.
Comment: Not observed at significant frequency in large population cohorts (gnomAD); In silico analysis supports that this missense variant has a deleterious effect on protein structure/function; Has not been previously published as pathogenic or benign to our knowledge

Labcorp Genetics (formerly Invitae), Labcorp
Classification: Uncertain significance for Kleefstra syndrome 1. Last evaluated: 2023-09-15. Review status: criteria provided, single submitter. Criteria: Invitae Variant Classification Sherloc (09022015). Collection method: clinical testing. Allele origin: germline.
Comment: Advanced modeling of protein sequence and biophysical properties (such as structural, functional, and spatial information, amino acid conservation, physicochemical variation, residue mobility, and thermodynamic stability) performed at Invitae indicates that this missense variant is expected to disrupt EHMT1 protein function. In summary, the available evidence is currently insufficient to determine the role of this variant in disease. Therefore, it has been classified as a Variant of Uncertain Significance. This variant has not been reported in the literature in individuals affected with EHMT1-related conditions. This variant is not present in population databases (gnomAD no frequency). This sequence change replaces proline, which is neutral and non-polar, with serine, which is neutral and polar, at codon 1099 of the EHMT1 protein (p.Pro1099Ser).